The following is an entry in ClinVar:

NM_001104631.2(PDE4D):c.266G>A (p.Gly89Glu)

Gene: PDE4D (phosphodiesterase 4D; minus strand). Cytogenetic location: 5q12.1.
Variant type: single nucleotide variant.
Coding change: c.266G>A on transcript NM_001104631.2 (MANE Select); coding-DNA position 266, G replaced by A.
Protein change: p.Gly89Glu; replaces glycine 89 with glutamic acid.
Molecular consequence: missense variant. On other transcripts: intron variant (5).
Genome position (GRCh38, 1-based): chr5:59,893,357, C>T on the plus strand (G>A on the coding strand, the complement: PDE4D is on the minus strand). VCF-style: chr5-59893357-C-T. GRCh37 (hg19) VCF-style: chr5-59189184-C-T.
Other names: c.272+95131G>A (NM_001364599.1, NM_001165899.2, NM_001364600.2); c.-240+95131G>A (NM_001349243.2); c.242+95131G>A (NM_001349241.2); short protein forms G89E.
Identifiers: ClinVar variation 3766103 (VCV003766103.1).

ClinVar aggregate classification (germline): Uncertain significance (1 of 4 stars; one submission).

gnomAD v4.1: 4 of 1,273,862 alleles (0.00031%); highest among the groups gnomAD compares: Admixed American, 0.0042%; no homozygotes.

Submission:

GeneDx
Classification: Uncertain significance. Last evaluated: 2024-09-03. Review status: criteria provided, single submitter. Criteria: GeneDx Variant Classification Process June 2021. Collection method: clinical testing. Allele origin: germline. Affected: yes.
Comment: Not observed at significant frequency in large population cohorts (gnomAD); In silico analysis supports that this missense variant does not alter protein structure/function; Has not been previously published as pathogenic or benign to our knowledge